The following is an entry in ClinVar:

NM_145868.2(ANXA11):c.531G>A (p.Gly177=)

Gene: ANXA11 (annexin A11; minus strand). Cytogenetic location: 10q22.3.
Variant type: single nucleotide variant.
Coding change: c.531G>A on transcript NM_145868.2 (MANE Select); coding-DNA position 531, G replaced by A.
Protein change: p.Gly177=; no amino-acid change (glycine 177 retained).
Molecular consequence: synonymous variant.
Genome position (GRCh38, 1-based): chr10:80,168,999, C>T on the plus strand (G>A on the coding strand, the complement: ANXA11 is on the minus strand). VCF-style: chr10-80168999-C-T. GRCh37 (hg19) VCF-style: chr10-81928755-C-T.
Other names: p.Gly177=; c.531G>A, p.Gly177= (NM_001157.3, NM_001278407.2, NM_001278408.2 and 1 more transcripts); c.432G>A, p.Gly144= (NM_001278409.2).
Identifiers: ClinVar variation 1553018 (VCV001553018.11), dbSNP rs35715926, ClinGen allele CA5576258.

ClinVar aggregate classification (germline): Benign/Likely benign. Review status: criteria provided, multiple submitters, no conflicts (2 of 4 stars). 4 submissions from 4 submitters: Benign (3); Likely benign (1). Last evaluated 2026-01-26.

Allele frequency attached by ClinVar (database versions not stated): gnomAD exomes 0.00040 and 0.00125; ExAC 0.00207; 1000 Genomes Project 30x 0.00406; 1000 Genomes Project 0.00419; ESP Exome Variant Server 0.00470; gnomAD 0.00476 and 0.00514; TOPMed 0.00530.
gnomAD v4.1: 1,318 of 1,544,220 alleles (0.085%); highest among the groups gnomAD compares: African/African-American, 1.5%; 3 homozygotes.

Submissions (4):

Labcorp Genetics (formerly Invitae), Labcorp
Classification: Benign. Last evaluated: 2026-01-26. Review status: criteria provided, single submitter. Criteria: Invitae Variant Classification Sherloc (09022015). Collection method: clinical testing. Allele origin: germline.

Mayo Clinic Laboratories, Mayo Clinic
Classification: Benign. Last evaluated: 2024-12-26. Review status: criteria provided, single submitter. Criteria: ACMG Guidelines, 2015. Collection method: clinical testing. Allele origin: germline. Observed: 2 variant alleles.
Comment: BS1, BS2, BP4, BP7

Blueprint Genetics
Classification: Likely benign. Last evaluated: 2024-11-13. Review status: criteria provided, single submitter. Criteria: ACMG Guidelines, 2015. Collection method: clinical testing. Allele origin: germline.

Breakthrough Genomics
Classification: Benign. Review status: criteria provided, single submitter. Criteria: ACMG Guidelines, 2015. Collection method: not provided. Allele origin: germline. Inheritance: Autosomal dominant inheritance. Affected: yes.